The following is an entry in ClinVar:

ClinVar aggregate classification (germline): Benign/Likely benign. Review status: criteria provided, multiple submitters, no conflicts (2 of 4 stars). 11 submissions from 11 submitters: Benign (5); Likely benign (2). 4 of the submissions do not count toward it. Last evaluated 2026-02-03.

Conditions:
Fanconi anemia (FA). Also called: Fanconi's anemia. Identifiers: Orphanet 84, MedGen C0015625, MeSH D005199, MONDO:0019391.
Fanconi anemia complementation group P. Also called: SLX4-Related Fanconi Anemia. Identifiers: Orphanet 84, MedGen C3469542, MONDO:0013499, OMIM 613951.

Allele frequency attached by ClinVar (database versions not stated): 1000 Genomes Project 30x 0.00141; 1000 Genomes Project 0.00160; TOPMed 0.00165; ESP Exome Variant Server 0.00223; gnomAD 0.00296 and 0.00302; gnomAD exomes 0.00325 and 0.00372; ExAC 0.00397.

Submissions (14):

Labcorp Genetics (formerly Invitae), Labcorp
Classification: Benign for Fanconi anemia. Last evaluated: 2026-02-03. Review status: criteria provided, single submitter. Criteria: Invitae Variant Classification Sherloc (09022015). Collection method: clinical testing. Allele origin: germline.

CeGaT Center for Human Genetics Tuebingen
Classification: Benign. Last evaluated: 2025-12-01. Review status: criteria provided, single submitter. Criteria: CeGaT Center For Human Genetics Tuebingen Variant Classification Criteria Version 2. Collection method: clinical testing. Allele origin: germline. Affected: yes. Observed: 5 variant alleles.
Comment: SLX4: BP4, BS1, BS2

Blueprint Genetics
Classification: Likely benign. Last evaluated: 2024-11-21. Review status: criteria provided, single submitter. Criteria: ACMG Guidelines, 2015. Collection method: clinical testing. Allele origin: germline.

Institute for Clinical Genetics, University Hospital TU Dresden, University Hospital TU Dresden
Classification: Benign. Last evaluated: 2021-11-03. Review status: criteria provided, single submitter. Criteria: ACMG Guidelines, 2015. Collection method: clinical testing. Allele origin: germline.

Genetic Services Laboratory, University of Chicago
Classification: Benign. Last evaluated: 2020-08-11. Review status: criteria provided, single submitter. Criteria: ACMG Guidelines, 2015. Collection method: clinical testing. Allele origin: germline. Affected: no.

GeneDx
Classification: Benign. Last evaluated: 2020-03-05. Review status: criteria provided, single submitter. Criteria: GeneDx Variant Classification Process June 2021. Collection method: clinical testing. Allele origin: germline. Affected: yes.
Comment: This variant is associated with the following publications: (PMID: 22911665)

Illumina Laboratory Services, Illumina
Classification: Likely benign for Fanconi anemia complementation group P. Last evaluated: 2018-01-12. Review status: criteria provided, single submitter. Criteria: ICSL Variant Classification Criteria 13 December 2019. Collection method: clinical testing. Allele origin: germline.
Comment: This variant was observed in the ICSL laboratory as part of a predisposition screen in an ostensibly healthy population. It had not been previously curated by ICSL or reported in the Human Gene Mutation Database (HGMD: prior to June 1st, 2018), and was therefore a candidate for classification through an automated scoring system. Utilizing variant allele frequency, disease prevalence and penetrance estimates, and inheritance mode, an automated score was calculated to assess if this variant is too frequent to cause the disease. Based on the score and internal cut-off values, a variant classified as likely benign is not then subjected to further curation. The score for this variant resulted in a classification of likely benign for this disease.

Leiden Open Variation Database
Classification: Likely benign. Last evaluated: 2012-08-31. Review status: no assertion criteria provided. Collection method: curation. Allele origin: germline. Affected: yes. Not counted in ClinVar's aggregate classification.
Comment: Curator: Arleen D. Auerbach. Submitter to LOVD: Janine Bakker.

Clinical Genetics DNA and cytogenetics Diagnostics Lab, Erasmus MC, Erasmus Medical Center
Classification: Likely benign. Review status: no assertion criteria provided. Collection method: clinical testing. Allele origin: germline. Affected: yes. Study: VKGL Data-share Consensus. Not counted in ClinVar's aggregate classification.

Dr. Peter K. Rogan Lab, Western University
No classification provided (evidence only). Condition: Acute myeloid leukemia. Review status: no classification provided. Collection method: in vitro. Allele origin: not applicable. Functional consequence: retained intron. Not counted in ClinVar's aggregate classification.

Dr. Peter K. Rogan Lab, Western University
No classification provided (evidence only). Condition: Cervical cancer. Review status: no classification provided. Collection method: in vitro. Allele origin: not applicable. Functional consequence: retained intron. Not counted in ClinVar's aggregate classification.

Dr. Peter K. Rogan Lab, Western University
No classification provided (evidence only). Condition: Hepatocellular carcinoma. Review status: no classification provided. Collection method: in vitro. Allele origin: not applicable. Functional consequence: retained intron. Not counted in ClinVar's aggregate classification.

Genome Diagnostics Laboratory, Amsterdam University Medical Center
Classification: Benign. Review status: no assertion criteria provided. Collection method: clinical testing. Allele origin: germline. Affected: yes. Study: VKGL Data-share Consensus. Not counted in ClinVar's aggregate classification.

Laboratory of Diagnostic Genome Analysis, Leiden University Medical Center (LUMC)
Classification: Likely benign. Review status: no assertion criteria provided. Collection method: clinical testing. Allele origin: germline. Affected: yes. Study: VKGL Data-share Consensus. Not counted in ClinVar's aggregate classification.

Literature cited by the submitters: PubMed 22911665 (cited by Leiden Open Variation Database).

NM_032444.4(SLX4):c.3857C>T (p.Ala1286Val)

Gene: SLX4 (SLX4 structure-specific endonuclease subunit; minus strand). Cytogenetic location: 16p13.3.
Variant type: single nucleotide variant.
Coding change: c.3857C>T on transcript NM_032444.4 (MANE Select); coding-DNA position 3857, C replaced by T.
Protein change: p.Ala1286Val; replaces alanine 1286 with valine.
Molecular consequence: missense variant.
Genome position (GRCh38, 1-based): chr16:3,589,781, G>A on the plus strand (C>T on the coding strand, the complement: SLX4 is on the minus strand). VCF-style: chr16-3589781-G-A. GRCh37 (hg19) VCF-style: chr16-3639782-G-A.
Other names: c.3857C>T (LRG_503t1); short protein forms A1286V.
Identifiers: ClinVar variation 241684 (VCV000241684.57), dbSNP rs149011965, ClinGen allele CA7865810.